The following is an entry in ClinVar:

NM_000256.3(MYBPC3):c.2800C>T (p.Leu934=)

Gene: MYBPC3 (myosin binding protein C3; minus strand). Cytogenetic location: 11p11.2.
Variant type: single nucleotide variant.
Coding change: c.2800C>T on transcript NM_000256.3 (MANE Select); coding-DNA position 2800, C replaced by T.
Protein change: p.Leu934=; no amino-acid change (leucine 934 retained).
Molecular consequence: synonymous variant.
Genome position (GRCh38, 1-based): chr11:47,335,147, G>A on the plus strand (C>T on the coding strand, the complement: MYBPC3 is on the minus strand). VCF-style: chr11-47335147-G-A. GRCh37 (hg19) VCF-style: chr11-47356698-G-A.
Identifiers: ClinVar variation 42658 (VCV000042658.43), dbSNP rs367980215, ClinGen allele CA012977.

ClinVar aggregate classification (germline): Conflicting classifications of pathogenicity. Review status: criteria provided, conflicting classifications (1 of 4 stars). 12 submissions from 11 submitters: Uncertain significance (1); Benign (2); Likely benign (9). Last evaluated 2026-03-27.

Conditions:
Left ventricular noncompaction 10 (LVNC10). Identifiers: Orphanet 154, Orphanet 54260, MedGen C3715165, MONDO:0014163, OMIM 615396.
Cardiovascular phenotype. Identifiers: MedGen CN230736.
Cardiomyopathy (CMYO). Also called: Cardiomyopathies. Identifiers: Orphanet 167848, MedGen C0878544, MONDO:0004994, HP:0001638. Inheritance: Various modes of inheritance.
Hypertrophic cardiomyopathy 4. Also called: Familial hypertrophic cardiomyopathy 4. Identifiers: MedGen C1861862, MONDO:0007268, OMIM 115197.
Hypertrophic cardiomyopathy. Also called: HYPERTROPHIC MYOCARDIOPATHY. Identifiers: Orphanet 217569, MedGen C0007194, MeSH D002312, MONDO:0005045, HP:0001639.

Allele frequency attached by ClinVar (database versions not stated): ESP Exome Variant Server 0.00008; gnomAD 0.00001; TOPMed 0.00003.

Submissions (12):

Molecular Diagnostic Laboratory for Inherited Cardiovascular Disease, Montreal Heart Institute
Classification: Likely benign. Last evaluated: 2026-03-27. Review status: criteria provided, single submitter. Criteria: ACMG Guidelines, 2015. Collection method: clinical testing. Allele origin: germline. Affected: no.

Labcorp Genetics (formerly Invitae), Labcorp
Classification: Likely benign for Hypertrophic cardiomyopathy. Last evaluated: 2025-12-22. Review status: criteria provided, single submitter. Criteria: Invitae Variant Classification Sherloc (09022015). Collection method: clinical testing. Allele origin: germline.

CeGaT Center for Human Genetics Tuebingen
Classification: Likely benign. Last evaluated: 2025-08-01. Review status: criteria provided, single submitter. Criteria: CeGaT Center For Human Genetics Tuebingen Variant Classification Criteria Version 2. Collection method: clinical testing. Allele origin: germline. Affected: yes. Observed: 3 variant alleles.
Comment: MYBPC3: BP4, BS1

Blueprint Genetics
Classification: Likely benign. Last evaluated: 2024-10-25. Review status: criteria provided, single submitter. Criteria: ACMG Guidelines, 2015. Collection method: clinical testing. Allele origin: germline.

All of Us Research Program, National Institutes of Health
Classification: Benign for Hypertrophic cardiomyopathy. Last evaluated: 2024-01-11. Review status: criteria provided, single submitter. Criteria: ACMG Guidelines, 2015. Collection method: clinical testing. Allele origin: germline. Inheritance: Autosomal dominant inheritance. Observed: 24 variant alleles, 24 heterozygotes.
Comment: This study involves interpretation of variants in research participants for the purpose of population health screening. Participant phenotype was not available at the time of variant classification. Additional details can be found in publication PMID: 35346344, PMCID: PMC8962531

CHEO Genetics Diagnostic Laboratory, Children's Hospital of Eastern Ontario
Classification: Likely benign for Cardiomyopathy. Last evaluated: 2023-04-03. Review status: criteria provided, single submitter. Criteria: ACMG Guidelines, 2015. Collection method: clinical testing. Allele origin: germline. Study: Canadian Open Genetics Repository.

Phosphorus, Inc.
Classification: Likely benign. Last evaluated: 2022-01-17. Review status: criteria provided, single submitter. Criteria: ACMG Guidelines, 2015. Collection method: clinical testing. Allele origin: germline. Inheritance: Autosomal dominant inheritance.
Comment: This synonymous variant has occurred in GnomAD with a total MAF of 0.0086% and with the highest MAF of 0.1935% in the Ashkenazi Jewish population. This position is not conserved. In silico splicing algorithm predicted no impact on splicing, but no functional studies were performed to confirm this prediction. This variant NM_000256.3(MYBPC3):c.2800C>T (p.Leu934=) is present in the ClinVar database (ID: 42658). The variant has not occurred in the literature in association with the disease. Considering that the variant has a relatively high frequency in a subpopulation, it has been classified as Likely Benign.

Color Diagnostics, LLC DBA Color Health
Classification: Benign for Cardiomyopathy. Last evaluated: 2018-10-02. Review status: criteria provided, single submitter. Criteria: ACMG Guidelines, 2015. Collection method: clinical testing. Allele origin: germline.

Illumina Laboratory Services, Illumina
Classification: Likely benign for Left ventricular noncompaction 10. Last evaluated: 2018-01-13. Review status: criteria provided, single submitter. Criteria: ICSL Variant Classification Criteria 13 December 2019. Collection method: clinical testing. Allele origin: germline.
Comment: This variant was observed in the ICSL laboratory as part of a predisposition screen in an ostensibly healthy population. It had not been previously curated by ICSL or reported in the Human Gene Mutation Database (HGMD: prior to June 1st, 2018), and was therefore a candidate for classification through an automated scoring system. Utilizing variant allele frequency, disease prevalence and penetrance estimates, and inheritance mode, an automated score was calculated to assess if this variant is too frequent to cause the disease. Based on the score and internal cut-off values, a variant classified as likely benign is not then subjected to further curation. The score for this variant resulted in a classification of likely benign for this disease.

Illumina Laboratory Services, Illumina
Classification: Uncertain significance for Hypertrophic cardiomyopathy 4. Last evaluated: 2018-01-13. Review status: criteria provided, single submitter. Criteria: ICSL Variant Classification Criteria 13 December 2019. Collection method: clinical testing. Allele origin: germline.

Ambry Genetics
Classification: Likely benign for Cardiovascular phenotype. Last evaluated: 2017-01-09. Review status: criteria provided, single submitter. Criteria: Ambry Variant Classification Scheme 2023. Collection method: clinical testing. Allele origin: germline.

Laboratory for Molecular Medicine, Mass General Brigham Personalized Medicine
Classification: Likely benign. Last evaluated: 2012-07-24. Review status: criteria provided, single submitter. Criteria: LMM Criteria. Collection method: clinical testing. Allele origin: germline. Observed: 1 variant allele.
Comment: Leu934Leu in exon 27 of MYBPC3: This variant is not expected to have clinical si gnificance because it does not alter an amino acid residue and is not located wi thin the splice consensus sequence. It has been identified in 1/8304 European Am erican chromosomes from a broad population by the NHLBI Exome Sequencing Project. Leu934Leu in exon 27 of MYBPC3 (allele fre quency = 1/8304) **